The following is an entry in ClinVar:

ClinVar aggregate classification (germline): Pathogenic (1 of 4 stars; one submission).

Submission:

Labcorp Genetics (formerly Invitae), Labcorp
Classification: Pathogenic. Last evaluated: 2022-04-12. Review status: criteria provided, single submitter. Criteria: Invitae Variant Classification Sherloc (09022015). Collection method: clinical testing. Allele origin: germline.
Comment: For these reasons, this variant has been classified as Pathogenic. This variant has not been reported in the literature in individuals affected with ATR-related conditions. This variant is present in population databases (rs755021350, gnomAD 0.002%). This sequence change creates a premature translational stop signal (p.Lys2351Cysfs*5) in the ATR gene. It is expected to result in an absent or disrupted protein product. Loss-of-function variants in ATR are known to be pathogenic (PMID: 21228398, 23144622).

Literature cited by the submitters: PubMed 21228398; PubMed 23144622.

NM_001184.4(ATR):c.7051_7055del (p.Lys2351fs)

Gene: ATR (ATR checkpoint kinase; minus strand). Cytogenetic location: 3q23.
Variant type: Deletion.
Coding change: c.7051_7055del on transcript NM_001184.4 (MANE Select); coding-DNA positions 7051 to 7055, 5 bases deleted (AAAGA; older notation c.7051_7055delAAAGA).
Protein change: p.Lys2351fs; shifts the reading frame from lysine 2351.
Molecular consequence: frameshift variant.
Genome position (GRCh38, 1-based): chr3:142,462,077-142,462,081, TCTTT deleted on the plus strand (AAAGA on the coding strand, the reverse complement: ATR is on the minus strand); deleting any 5 consecutive bases within chr3:142,462,077-142,462,085 gives the same sequence; the c. name uses the placement nearest the transcript's 3' end. VCF-style (leftmost placement, unchanged base first): chr3-142462076-ATCTTT-A. GRCh37 (hg19) VCF-style: chr3-142180918-ATCTTT-A.
Other names: c.6859_6863del, p.Lys2287fs (NM_001354579.2); short protein forms K2351fs, K2287fs.
Identifiers: ClinVar variation 2143173 (VCV002143173.4), dbSNP rs755021350, ClinGen allele CA2649211.